The following is an entry in ClinVar:

NM_000038.6(APC):c.4468del (p.His1490fs)

Gene: APC (APC regulator of WNT signaling pathway; plus strand). Cytogenetic location: 5q22.2.
Variant type: Deletion.
Coding change: c.4468del on transcript NM_000038.6 (MANE Select); coding-DNA position 4468, one base deleted (C; older notation c.4468delC).
Protein change: p.His1490fs; shifts the reading frame from histidine 1490.
Molecular consequence: frameshift variant.
Genome position (GRCh38, 1-based): chr5:112,840,062, C deleted. VCF-style (leftmost placement, unchanged base first): chr5-112840061-AC-A. GRCh37 (hg19) VCF-style: chr5-112175758-AC-A.
Other names: c.4468del, p.His1490fs (NM_001127510.3, NM_001354895.2); c.4414del, p.His1472fs (NM_001127511.3); c.4522del, p.His1508fs (NM_001354896.2); c.4498del, p.His1500fs (NM_001354897.2); c.4393del, p.His1465fs (NM_001354898.2); c.4384del, p.His1462fs (NM_001354899.2); c.4345del, p.His1449fs (NM_001354900.2); c.4291del, p.His1431fs (NM_001354901.2); and 5 more; short protein forms H1207fs, H1330fs, H1389fs, H1399fs, H1500fs, H1508fs, H1449fs, H1364fs.
Identifiers: ClinVar variation 545843 (VCV000545843.2), dbSNP rs1554085898, ClinGen allele CA446206510.

ClinVar aggregate classification (germline): Pathogenic (1 of 4 stars; one submission).

Submission:

GeneDx
Classification: Pathogenic. Last evaluated: 2017-11-24. Review status: criteria provided, single submitter. Criteria: GeneDx Variant Classification (06012015). Collection method: clinical testing. Allele origin: germline. Affected: yes.
Comment: This deletion of one nucleotide in APC is denoted c.4468delC at the cDNA level and p.His1490IlefsX17 (H1490IfsX17) at the protein level. The normal sequence, with the base that is deleted in brackets, is ATTA[delC]ATTT. The deletion causes a frameshift which changes a Histidine to an Isoleucine at codon 1490, and creates a premature stop codon at position 17 of the new reading frame. Although this variant has not, to our knowledge, been reported as a germline variant in the literature, it is predicted to cause loss of normal protein function through protein truncation. We consider this variant to be pathogenic.